The following is an entry in ClinVar:

ClinVar aggregate classification (germline): Conflicting classifications of pathogenicity. Review status: criteria provided, conflicting classifications (1 of 4 stars). 2 submissions from 2 submitters: Uncertain significance (1); Benign (1). Last evaluated 2026-01-14.

Conditions:
Tuberous sclerosis 2 (TSC2). Identifiers: Orphanet 805, MedGen C1860707, MONDO:0013199, OMIM 613254.
Hereditary cancer-predisposing syndrome. Also called: Neoplastic Syndromes, Hereditary; Hereditary neoplastic syndrome; Tumor predisposition; Hereditary Cancer Syndrome. Identifiers: Orphanet 140162, MedGen C0027672, MeSH D009386, MONDO:0015356.

gnomAD v4.1: 1 of 1,601,008 alleles (0.000062%); highest among the groups gnomAD compares: African/African-American, 0.0013%; no homozygotes.

Submissions (2):

Ambry Genetics
Classification: Uncertain significance for Hereditary cancer-predisposing syndrome. Last evaluated: 2026-01-14. Review status: criteria provided, single submitter. Criteria: Ambry Variant Classification Scheme 2023. Collection method: clinical testing. Allele origin: germline.
Comment: The p.P1468S variant (also known as c.4402C>T), located in coding exon 33 of the TSC2 gene, results from a C to T substitution at nucleotide position 4402. The proline at codon 1468 is replaced by serine, an amino acid with similar properties. This amino acid position is conserved. In addition, the in silico prediction for this alteration is inconclusive. Based on the available evidence, the clinical significance of this variant remains unclear.

Labcorp Genetics (formerly Invitae), Labcorp
Classification: Benign for Tuberous sclerosis 2. Last evaluated: 2025-03-13. Review status: criteria provided, single submitter. Criteria: Invitae Variant Classification Sherloc (09022015). Collection method: clinical testing. Allele origin: germline.

NM_000548.5(TSC2):c.4402C>T (p.Pro1468Ser)

Gene: TSC2 (TSC complex subunit 2; plus strand). Cytogenetic location: 16p13.3.
Variant type: single nucleotide variant.
Coding change: c.4402C>T on transcript NM_000548.5 (MANE Select); coding-DNA position 4402, C replaced by T.
Protein change: p.Pro1468Ser; replaces proline 1468 with serine.
Molecular consequence: missense variant. On other transcripts: non-coding transcript variant (5).
Genome position (GRCh38, 1-based): chr16:2,084,624, C>T. VCF-style: chr16-2084624-C-T. GRCh37 (hg19) VCF-style: chr16-2134625-C-T.
Other names: c.3670C>T, p.Pro1224Ser (NM_001318831.2); c.4234C>T, p.Pro1412Ser (NM_001318832.2); c.4204C>T, p.Pro1402Ser (NM_001363528.2); c.4270C>T, p.Pro1424Ser (NM_001370404.1); c.4273C>T, p.Pro1425Ser (NM_001370405.1, NM_021055.3); c.4399C>T, p.Pro1467Ser (NM_001406663.1); c.4330C>T, p.Pro1444Ser (NM_001406664.1); c.4324C>T, p.Pro1442Ser (NM_001406665.1); and 26 more; short protein forms P1201S, P1202S, P1224S, P1244S, P1245S, P1248S, P1268S, P1352S.
Identifiers: ClinVar variation 4802885 (VCV004802885.2).
Genomic context (GRCh38, chr16:2,084,624, plus strand): 5'-AGCTCCCCCCGCTCGCCCAGTGGCCTCCGGCCCCGAGGTTACACCATCTCCGACTCGGCC[C>T]CATCACGCAGGGGCAAGAGAGTAGAGAGGGACGCCTTAAAGAGCAGAGCCACAGCCTCCA-3'
Protein context (NP_000539.2, residues 1458-1478): PRGYTISDSA[Pro1468Ser]SRRGKRVERD